The following is an entry in ClinVar:

ClinVar aggregate classification (germline): Uncertain significance. Review status: criteria provided, multiple submitters, no conflicts (2 of 4 stars). 2 submissions from 2 submitters: Uncertain significance (2). Last evaluated 2024-06-25.

Submissions (2):

Revvity Omics, Revvity
Classification: Uncertain significance. Last evaluated: 2024-06-25. Review status: criteria provided, single submitter. Criteria: ACMG Guidelines, 2015. Collection method: clinical testing. Allele origin: germline.

Labcorp Genetics (formerly Invitae), Labcorp
Classification: Uncertain significance. Last evaluated: 2024-03-09. Review status: criteria provided, single submitter. Criteria: Invitae Variant Classification Sherloc (09022015). Collection method: clinical testing. Allele origin: germline.
Comment: This sequence change replaces arginine, which is basic and polar, with lysine, which is basic and polar, at codon 411 of the SPTB protein (p.Arg411Lys). This variant is not present in population databases (gnomAD no frequency). This variant has not been reported in the literature in individuals affected with SPTB-related conditions. An algorithm developed to predict the effect of missense changes on protein structure and function (PolyPhen-2) suggests that this variant is likely to be disruptive. In summary, the available evidence is currently insufficient to determine the role of this variant in disease. Therefore, it has been classified as a Variant of Uncertain Significance.

NM_001355436.2(SPTB):c.1232G>A (p.Arg411Lys)

Gene: SPTB (spectrin beta, erythrocytic; minus strand). Cytogenetic location: 14q23.3.
Variant type: single nucleotide variant.
Coding change: c.1232G>A on transcript NM_001355436.2 (MANE Select); coding-DNA position 1232, G replaced by A.
Protein change: p.Arg411Lys; replaces arginine 411 with lysine.
Molecular consequence: missense variant.
Genome position (GRCh38, 1-based): chr14:64,796,666, C>T on the plus strand (G>A on the coding strand, the complement: SPTB is on the minus strand). VCF-style: chr14-64796666-C-T. GRCh37 (hg19) VCF-style: chr14-65263384-C-T.
Other names: c.1232G>A, p.Arg411Lys (NM_001024858.4, NM_001355437.2); short protein forms R411K.
Identifiers: ClinVar variation 3645253 (VCV003645253.3).
Genomic context (GRCh38, chr14:64,796,666, plus strand): 5'-GCCTTCCGGTCAAAGCGCCGGGCCAGTTGCTCTAGCTTCTCCTGCCGAATGAGCTCATTT[C>T]TCAGGGCCAGCTCCCGCCGATACTCAGCTTCCTCCAGGCTTTCCCAGGCCTGCACAAAGG-3'
Protein context (NP_001342365.1, residues 401-421): EAEYRRELAL[Arg411Lys]NELIRQEKLE